The following is an entry in ClinVar:

ClinVar aggregate classification (germline): Uncertain significance (1 of 4 stars; one submission).

Conditions:
Epileptic encephalopathy. Identifiers: MedGen C0543888, HP:0200134.

Allele frequency attached by ClinVar (database versions not stated): TOPMed 0.00001; ExAC 0.00002; gnomAD exomes 0.00002 and 0.00001.
gnomAD v4.1: 7 of 1,613,868 alleles (0.00043%); highest among the groups gnomAD compares: Admixed American, 0.01%; no homozygotes.

Submission:

Labcorp Genetics (formerly Invitae), Labcorp
Classification: Uncertain significance for Epileptic encephalopathy. Last evaluated: 2019-09-17. Review status: criteria provided, single submitter. Criteria: Invitae Variant Classification Sherloc (09022015). Collection method: clinical testing. Allele origin: germline.
Comment: In summary, the available evidence is currently insufficient to determine the role of this variant in disease. Therefore, it has been classified as a Variant of Uncertain Significance. Algorithms developed to predict the effect of missense changes on protein structure and function (SIFT, PolyPhen-2, Align-GVGD) all suggest that this variant is likely to be disruptive, but these predictions have not been confirmed by published functional studies and their clinical significance is uncertain. This variant has not been reported in the literature in individuals with RYR3-related conditions. This variant is present in population databases (rs750313484, ExAC 0.02%). This sequence change replaces glutamic acid with lysine at codon 663 of the RYR3 protein (p.Glu663Lys). The glutamic acid residue is highly conserved and there is a small physicochemical difference between glutamic acid and lysine.

NM_001036.6(RYR3):c.1987G>A (p.Glu663Lys)

Gene: RYR3 (ryanodine receptor 3; plus strand). Cytogenetic location: 15q14.
Variant type: single nucleotide variant.
Coding change: c.1987G>A on transcript NM_001036.6 (MANE Select); coding-DNA position 1987, G replaced by A.
Protein change: p.Glu663Lys; replaces glutamic acid 663 with lysine.
Molecular consequence: missense variant.
Genome position (GRCh38, 1-based): chr15:33,603,187, G>A. VCF-style: chr15-33603187-G-A. GRCh37 (hg19) VCF-style: chr15-33895388-G-A.
Other names: c.1987G>A, p.Glu663Lys (NM_001243996.4); short protein forms E663K.
Identifiers: ClinVar variation 936952 (VCV000936952.9), dbSNP rs750313484, ClinGen allele CA7458311.